The following is an entry in ClinVar:

NM_000231.3(SGCG):c.223A>G (p.Lys75Glu)

Gene: SGCG (sarcoglycan gamma; plus strand). Cytogenetic location: 13q12.12.
Variant type: single nucleotide variant.
Coding change: c.223A>G on transcript NM_000231.3 (MANE Select); coding-DNA position 223, A replaced by G.
Protein change: p.Lys75Glu; replaces lysine 75 with glutamic acid.
Molecular consequence: missense variant.
Genome position (GRCh38, 1-based): chr13:23,234,638, A>G. VCF-style: chr13-23234638-A-G. GRCh37 (hg19) VCF-style: chr13-23808777-A-G.
Other names: c.277A>G, p.Lys93Glu (NM_001378244.1); c.223A>G, p.Lys75Glu (NM_001378245.1, NM_001378246.1); short protein forms K75E, K93E.
Identifiers: ClinVar variation 1403080 (VCV001403080.8), dbSNP rs2137545079, ClinGen allele CA387506464.
Genomic context (GRCh38, chr13:23,234,638, plus strand): 5'-ATATACGCATTGTCTCTTTTTTTTTTTTAACAGGCAGGAATGGGCCACTTGTGTGTAACA[A>G]AAGATGGACTGCGCTTGGAAGGGGAATCAGAATTTTTATTCCCATTGTATGCCAAAGAAA-3'
Protein context (NP_000222.2, residues 65-85): PAGMGHLCVT[Lys75Glu]DGLRLEGESE

ClinVar aggregate classification (germline): Uncertain significance (1 of 4 stars; one submission).

Conditions:
Autosomal recessive limb-girdle muscular dystrophy type 2C (LGMDR5). Also called: MUSCULAR DYSTROPHY, DUCHENNE-LIKE; MUSCULAR DYSTROPHY, LIMB-GIRDLE, AUTOSOMAL RECESSIVE 5. Identifiers: Orphanet 353, MedGen C0410173, MONDO:0009677, OMIM 253700. Disease mechanism: Affects gamma-sarcoglycan and also disrupts the integrity of the entire sarcoglycan complex..

Submission:

Labcorp Genetics (formerly Invitae), Labcorp
Classification: Uncertain significance for Autosomal recessive limb-girdle muscular dystrophy type 2C. Last evaluated: 2022-05-28. Review status: criteria provided, single submitter. Criteria: Invitae Variant Classification Sherloc (09022015). Collection method: clinical testing. Allele origin: germline.
Comment: In summary, the available evidence is currently insufficient to determine the role of this variant in disease. Therefore, it has been classified as a Variant of Uncertain Significance. Algorithms developed to predict the effect of sequence changes on RNA splicing suggest that this variant may create or strengthen a splice site. Algorithms developed to predict the effect of missense changes on protein structure and function output the following: SIFT: "Tolerated"; PolyPhen-2: "Benign"; Align-GVGD: "Class C0". The glutamic acid amino acid residue is found in multiple mammalian species, which suggests that this missense change does not adversely affect protein function. ClinVar contains an entry for this variant (Variation ID: 1403080). This variant has not been reported in the literature in individuals affected with SGCG-related conditions. This variant is not present in population databases (gnomAD no frequency). This sequence change replaces lysine, which is basic and polar, with glutamic acid, which is acidic and polar, at codon 75 of the SGCG protein (p.Lys75Glu).